The following is an entry in ClinVar:

ClinVar aggregate classification (germline): Likely pathogenic (1 of 4 stars; one submission).

Submission:

Labcorp Genetics (formerly Invitae), Labcorp
Classification: Likely pathogenic. Last evaluated: 2025-11-15. Review status: criteria provided, single submitter. Criteria: Invitae Variant Classification Sherloc (09022015). Collection method: clinical testing. Allele origin: germline.
Comment: This sequence change affects an acceptor splice site in intron 5 of the MSH3 gene. It is expected to disrupt RNA splicing. Variants that disrupt the donor or acceptor splice site typically lead to a loss of protein function (PMID: 16199547), and loss-of-function variants in MSH3 are known to be pathogenic (PMID: 27476653, 37402566). This variant is not present in population databases (gnomAD no frequency). This variant has not been reported in the literature in individuals affected with MSH3-related conditions. ClinVar contains an entry for this variant (Variation ID: 3724842). Algorithms developed to predict the effect of sequence changes on RNA splicing suggest that this variant may disrupt the consensus splice site. In summary, the currently available evidence indicates that the variant is pathogenic, but additional data are needed to prove that conclusively. Therefore, this variant has been classified as Likely Pathogenic.

Literature cited by the submitters: PubMed 16199547; PubMed 27476653; PubMed 37402566.

NM_002439.5(MSH3):c.910-1G>T

Genes: MSH3 (mutS homolog 3; plus strand), LOC126807437 (MED14-independent group 3 enhancer GRCh37_chr5:79968379-79969578; plus strand). Cytogenetic location: 5q14.1.
Variant type: single nucleotide variant.
Coding change: c.910-1G>T on transcript NM_002439.5 (MANE Select); the canonical splice acceptor site of the intron before coding-DNA position 910, G replaced by T.
Molecular consequence: splice acceptor variant.
Genome position (GRCh38, 1-based): chr5:80,672,740, G>T. VCF-style: chr5-80672740-G-T. GRCh37 (hg19) VCF-style: chr5-79968559-G-T.
Identifiers: ClinVar variation 3724842 (VCV003724842.2).
Genomic context (GRCh38, chr5:80,672,740, plus strand): 5'-AATGAGTTTTTACAAGTCATTTTTTATCCTTTGATAGCAATATTTCTTATTTTTGTTGAA[G>T]GTGGGAGTTGTGAAGCAAACTGAAACTGCAGCATTAAAGGCCATTGGAGACAACAGAAGT-3'